The following is an entry in ClinVar:

ClinVar aggregate classification (germline): Likely benign. Review status: criteria provided, multiple submitters, no conflicts (2 of 4 stars). 4 submissions from 4 submitters: Likely benign (4). Last evaluated 2025-12-14.

Conditions:
DMD-related disorder. Also called: DMD-related condition.
Duchenne muscular dystrophy (DMD). Also called: Duchenne Muscular Dystrophy (DMD); MUSCULAR DYSTROPHY, PSEUDOHYPERTROPHIC PROGRESSIVE, DUCHENNE TYPE. Identifiers: Orphanet 98896, MedGen C0013264, MONDO:0010679, OMIM 310200.
Cardiovascular phenotype. Identifiers: MedGen CN230736.

Allele frequency attached by ClinVar (database versions not stated): gnomAD exomes 0.00001 and 0.00002; gnomAD 0.00003; TOPMed 0.00006.
gnomAD v4.1: 10 of 1,209,841 alleles (0.00083%); highest among the groups gnomAD compares: Admixed American, 0.022%; no homozygotes.

Submissions (4):

Labcorp Genetics (formerly Invitae), Labcorp
Classification: Likely benign for Duchenne muscular dystrophy. Last evaluated: 2025-12-14. Review status: criteria provided, single submitter. Criteria: Invitae Variant Classification Sherloc (09022015). Collection method: clinical testing. Allele origin: germline.

PreventionGenetics, part of Exact Sciences
Classification: Likely benign for DMD-related condition. Last evaluated: 2024-11-13. Review status: criteria provided, single submitter. Criteria: ACMG Guidelines, 2015. Collection method: clinical testing. Allele origin: germline.
Comment: This variant is classified as likely benign based on ACMG/AMP sequence variant interpretation guidelines (Richards et al. 2015 PMID: 25741868, with internal and published modifications).

Ambry Genetics
Classification: Likely benign for Cardiovascular phenotype. Last evaluated: 2022-08-20. Review status: criteria provided, single submitter. Criteria: Ambry Variant Classification Scheme 2023. Collection method: clinical testing. Allele origin: germline.

Breakthrough Genomics
Classification: Likely benign. Review status: criteria provided, single submitter. Criteria: ACMG Guidelines, 2015. Collection method: not provided. Allele origin: germline. Inheritance: X-linked inheritance. Affected: yes.

NM_004006.3(DMD):c.5784A>G (p.Ala1928=)

Gene: DMD (dystrophin; minus strand). Cytogenetic location: Xp21.1.
Variant type: single nucleotide variant.
Coding change: c.5784A>G on transcript NM_004006.3 (MANE Select); coding-DNA position 5784, A replaced by G.
Protein change: p.Ala1928=; no amino-acid change (alanine 1928 retained).
Molecular consequence: synonymous variant.
Genome position (GRCh38, 1-based): chrX:32,342,238, T>C on the plus strand (A>G on the coding strand, the complement: DMD is on the minus strand). VCF-style: chrX-32342238-T-C. GRCh37 (hg19) VCF-style: chrX-32360355-T-C.
Other names: c.5760A>G, p.Ala1920= (NM_000109.4); c.5772A>G, p.Ala1924= (NM_004009.3); c.5415A>G, p.Ala1805= (NM_004010.3); c.1761A>G, p.Ala587= (NM_004011.4); c.1752A>G, p.Ala584= (NM_004012.4).
Identifiers: ClinVar variation 526092 (VCV000526092.14), dbSNP rs922803283, ClinGen allele CA327981656.